The following is an entry in ClinVar:

NM_020320.5(RARS2):c.472_474del (p.Lys158del)

Gene: RARS2 (arginyl-tRNA synthetase 2, mitochondrial; minus strand). Cytogenetic location: 6q15.
Variant type: Deletion.
Coding change: c.472_474del on transcript NM_020320.5 (MANE Select); coding-DNA positions 472 to 474, 3 bases deleted (AAA; older notation c.472_474delAAA).
Protein change: p.Lys158del; deletes lysine 158.
Molecular consequence: inframe deletion. On other transcripts: 5 prime UTR variant (7), non-coding transcript variant (15).
Genome position (GRCh38, 1-based): chr6:87,545,677-87,545,679, TTT deleted on the plus strand (AAA on the coding strand, the reverse complement: RARS2 is on the minus strand). VCF-style (leftmost placement, unchanged base first): chr6-87545676-CTTT-C. GRCh37 (hg19) VCF-style: chr6-88255394-CTTT-C.
Other names: c.-54_-52del (NM_001318785.2, NM_001350506.2, NM_001350507.2 and 4 more transcripts); c.472_474del, p.Lys158del (NM_001350505.2); c.472_474delAAA (NM_020320.3, NM_020320.5); short protein forms K158del.
Identifiers: ClinVar variation 215072 (VCV000215072.33), dbSNP rs757743894, ClinGen allele CA324190.

ClinVar aggregate classification (germline): Pathogenic/Likely pathogenic. Review status: criteria provided, multiple submitters, no conflicts (2 of 4 stars). 8 submissions from 8 submitters: Pathogenic (5); Likely pathogenic (3). Last evaluated 2026-05-01.

Conditions:
Pontoneocerebellar hypoplasia. Also called: Pontocerebellar hypoplasia; Non-syndromic pontocerebellar hypoplasia. Identifiers: Orphanet 98523, MedGen C1261175, MONDO:0020135.
Pontocerebellar hypoplasia type 6 (PCH6). Identifiers: Orphanet 166073, MedGen C1969084, MONDO:0012683, OMIM 611523.

Allele frequency attached by ClinVar (database versions not stated): gnomAD exomes 0.00037 and 0.00013; gnomAD 0.00016 and 0.00015; ExAC 0.00010; ESP Exome Variant Server 0.00024; TOPMed 0.00018.

Submissions (8):

Women's Health and Genetics/Laboratory Corporation of America, LabCorp
Classification: Pathogenic for Pontoneocerebellar hypoplasia. Last evaluated: 2026-05-01. Review status: criteria provided, single submitter. Criteria: LabCorp Variant Classification Summary - May 2015. Collection method: clinical testing. Allele origin: germline.
Comment: Variant summary: RARS2 c.472_474delAAA (p.Lys158del) results in an in-frame deletion that is predicted to remove one amino acid from the encoded protein. The variant allele was found at a frequency of 0.00013 in 251110 control chromosomes. This frequency is not significantly higher than estimated for disease-causing variants in RARS2, allowing no conclusion about variant significance. c.472_474delAAA has been observed in individual(s) affected with Pontocerebellar Hypoplasia, Type 6 (e.g. Glamuzina_2012, Ngoh_2016, Roux_2021) and in an individual with early-infantile developmental and epileptic encephalopathy, with signs of cerebellar involvement (de Valles-Ibanez_2022). These data indicate that the variant is likely to be associated with disease. To our knowledge, no experimental evidence demonstrating an impact on protein function has been reported. The following publications have been ascertained in the context of this evaluation (PMID: 27061686, 31216405, 33972171, 34717047, 22086604, 35468344, 35707589). ClinVar contains an entry for this variant (Variation ID: 215072). Based on the evidence outlined above, the variant was classified as pathogenic.

Natera, Inc.
Classification: Pathogenic for Pontocerebellar hypoplasia, type 6. Last evaluated: 2025-11-16. Review status: criteria provided, single submitter. Criteria: Natera Variant Classification Schema (03/2026). Collection method: clinical testing. Allele origin: germline.
Comment: The c.472_474delAAA variant in RARS2 is an in-frame deletion predicted to remove lysine at amino acid 158 while preserving the reading frame. This variant is rare in the general population with a frequency below the threshold expected for the associated phenotype(s). This variant has been observed in one or more individuals affected with the associated recessive disease, as either homozygous or compound heterozygous with a second variant (PMID: 27061686, 22086604). Additionally, this variant has been observed to segregate in affected family members (PMID: 27061686). This variant results in a change to the protein length while preserving reading frame, which may disrupt normal protein structure or function. Computational prediction algorithms indicate this variant is likely to affect gene or protein function. Given the available evidence, this variant is classified as Pathogenic.

Labcorp Genetics (formerly Invitae), Labcorp
Classification: Pathogenic. Last evaluated: 2025-10-29. Review status: criteria provided, single submitter. Criteria: Invitae Variant Classification Sherloc (09022015). Collection method: clinical testing. Allele origin: germline.
Comment: This variant, c.472_474del, results in the deletion of 1 amino acid(s) of the RARS2 protein (p.Lys158del), but otherwise preserves the integrity of the reading frame. This variant is present in population databases (rs757743894, gnomAD 0.02%). This variant has been observed in individual(s) with pontocerebellar hypoplasia (PMID: 22086604, 27061686, 33972171, 34717047). In at least one individual the data is consistent with being in trans (on the opposite chromosome) from a pathogenic variant. It has also been observed to segregate with disease in related individuals. ClinVar contains an entry for this variant (Variation ID: 215072). For these reasons, this variant has been classified as Pathogenic.

GeneDx
Classification: Likely pathogenic. Last evaluated: 2025-04-22. Review status: criteria provided, single submitter. Criteria: GeneDx Variant Classification Process June 2021. Collection method: clinical testing. Allele origin: germline. Affected: yes.
Comment: In silico analysis supports a deleterious effect on protein structure/function; In-frame deletion of 1 amino acid in a non-repeat region; This variant is associated with the following publications: (PMID: 29434700, 25533962, 28534666, 31216405, 27061686, 35707589, 34717047, 22086604, 33972171, 35468344)

ARUP Laboratories, Molecular Genetics and Genomics, ARUP Laboratories
Classification: Likely pathogenic. Last evaluated: 2024-11-01. Review status: criteria provided, single submitter. Criteria: ARUP Molecular Germline Variant Investigation Process 2024. Collection method: clinical testing. Allele origin: germline.
Comment: The RARS2 c.472_474del; p.Lys158del variant (rs757743894; ClinVar Variation ID: 215072) is reported in the literature in individuals affected with RARS2-related phenotypes (de Valles-Ibanez 2022, Fitzgerald 2015, Glamuzina 2012, Ngoh 2016, Roux 2021). Additionally, this variant was identified in trans to a second pathogenic RARS2 variant and was found to segregate in one family (Ngoh 2016). This variant is found in the general population with an overall allele frequency of 0.01% (35/282,486 alleles) in the Genome Aggregation Database (v2.1.1). This variant deletes a single lysine residue leaving the rest of the protein in-frame. Based on available information, this variant is considered to be likely pathogenic. References: de Valles-Ibanez G et al. Infantile-onset myoclonic developmental and epileptic encephalopathy: A new RARS2 phenotype. Epilepsia Open. 2022 Mar;7(1):170-180. PMID: 34717047. Fitzgerald TW et al. Large-scale discovery of novel genetic causes of developmental disorders. Nature. 2015 Mar 12;519(7542):223-8. PMID: 25533962. Glamuzina et al. Further delineation of pontocerebellar hypoplasia type 6 due to mutations in the gene encoding mitochondrial arginyl-tRNA synthetase, RARS2. J Inherit Metab Dis. 2012 May;35(3):459-67. PMID: 22086604. Ngoh et al. RARS2 mutations in a sibship with infantile spasms. Epilepsia. 2016 May;57(5):e97-e102. PMID: 27061686. Roux CJ et al. Phenotypic diversity of brain MRI patterns in mitochondrial aminoacyl-tRNA synthetase mutations. Mol Genet Metab. 2021 Jun;133(2):222-229. PMID: 33972171.

Fulgent Genetics
Classification: Likely pathogenic for Pontocerebellar hypoplasia type 6. Last evaluated: 2024-04-09. Review status: criteria provided, single submitter. Criteria: ACMG Guidelines, 2015. Collection method: clinical testing. Allele origin: germline.

Baylor Genetics
Classification: Pathogenic for Pontocerebellar hypoplasia type 6. Last evaluated: 2024-03-28. Review status: criteria provided, single submitter. Criteria: ACMG Guidelines, 2015. Collection method: clinical testing. Allele origin: unknown.

Revvity Omics, Revvity
Classification: Pathogenic for Pontocerebellar hypoplasia type 6. Last evaluated: 2023-10-13. Review status: criteria provided, single submitter. Criteria: ACMG Guidelines, 2015. Collection method: clinical testing. Allele origin: germline.

Literature cited by the submitters: PubMed 27061686 (cited by 3 submitters); PubMed 31216405 (cited by Women's Health and Genetics/Laboratory Corporation of America, LabCorp); PubMed 33972171 (cited by Women's Health and Genetics/Laboratory Corporation of America, LabCorp and Labcorp Genetics (formerly Invitae), Labcorp); PubMed 34717047 (cited by Women's Health and Genetics/Laboratory Corporation of America, LabCorp and Labcorp Genetics (formerly Invitae), Labcorp); PubMed 22086604 (cited by 3 submitters); PubMed 35468344 (cited by Women's Health and Genetics/Laboratory Corporation of America, LabCorp); PubMed 35707589 (cited by Women's Health and Genetics/Laboratory Corporation of America, LabCorp).